The following is an entry in ClinVar:

ClinVar aggregate classification (germline): Uncertain significance. Review status: criteria provided, multiple submitters, no conflicts (2 of 4 stars). 2 submissions from 2 submitters: Uncertain significance (2). Last evaluated 2024-10-12.

Conditions:
Familial cutaneous telangiectasia and oropharyngeal predisposition cancer syndrome. Identifiers: Orphanet 313846, MedGen C3281203, MONDO:0013806, OMIM 614564.
Seckel syndrome 1 (SCKL1). Also called: MICROCEPHALIC PRIMORDIAL DWARFISM I. Identifiers: Orphanet 808, MedGen C4551474, MONDO:0008869, OMIM 210600.

Allele frequency attached by ClinVar (database versions not stated): gnomAD 0.00001; gnomAD exomes 0.00001 and 0.00002; TOPMed 0.00001; ExAC 0.00002.
gnomAD v4.1: 7 of 1,613,934 alleles (0.00043%); highest among the groups gnomAD compares: East Asian, 0.0089%; no homozygotes.

Submissions (2):

Labcorp Genetics (formerly Invitae), Labcorp
Classification: Uncertain significance. Last evaluated: 2024-10-12. Review status: criteria provided, single submitter. Criteria: Invitae Variant Classification Sherloc (09022015). Collection method: clinical testing. Allele origin: germline.
Comment: This sequence change replaces valine, which is neutral and non-polar, with isoleucine, which is neutral and non-polar, at codon 235 of the ATR protein (p.Val235Ile). This variant is present in population databases (rs756845185, gnomAD 0.02%). This variant has not been reported in the literature in individuals affected with ATR-related conditions. ClinVar contains an entry for this variant (Variation ID: 971167). An algorithm developed to predict the effect of missense changes on protein structure and function (PolyPhen-2) suggests that this variant is likely to be tolerated. In summary, the available evidence is currently insufficient to determine the role of this variant in disease. Therefore, it has been classified as a Variant of Uncertain Significance.

Fulgent Genetics
Classification: Uncertain significance for Seckel syndrome 1; Familial cutaneous telangiectasia and oropharyngeal predisposition cancer syndrome. Last evaluated: 2024-04-16. Review status: criteria provided, single submitter. Criteria: ACMG Guidelines, 2015. Collection method: clinical testing. Allele origin: germline.

NM_001184.4(ATR):c.703G>A (p.Val235Ile)

Gene: ATR (ATR checkpoint kinase; minus strand). Cytogenetic location: 3q23.
Variant type: single nucleotide variant.
Coding change: c.703G>A on transcript NM_001184.4 (MANE Select); coding-DNA position 703, G replaced by A.
Protein change: p.Val235Ile; replaces valine 235 with isoleucine.
Molecular consequence: missense variant.
Genome position (GRCh38, 1-based): chr3:142,562,699, C>T on the plus strand (G>A on the coding strand, the complement: ATR is on the minus strand). VCF-style: chr3-142562699-C-T. GRCh37 (hg19) VCF-style: chr3-142281541-C-T.
Other names: c.703G>A, p.Val235Ile (NM_001354579.2); short protein forms V235I.
Identifiers: ClinVar variation 971167 (VCV000971167.11), dbSNP rs756845185, ClinGen allele CA2650733.